The following is an entry in ClinVar:

ClinVar aggregate classification (germline): Uncertain significance (1 of 4 stars; one submission).

Conditions:
COPA-related disorder. Also called: COPA-related condition.

Submission:

PreventionGenetics, part of Exact Sciences
Classification: Uncertain significance for COPA-related condition. Last evaluated: 2026-08-11. Review status: criteria provided, single submitter. Criteria: ACMG Guidelines, 2015. Collection method: clinical testing. Allele origin: germline.
Comment: The COPA c.520C>T variant is predicted to result in the amino acid substitution p.Pro174Ser. To our knowledge, this variant has not been reported in the literature or in a large population database (gnomAD), indicating this variant is rare. At this time, the clinical significance of this variant is uncertain due to the absence of conclusive functional and genetic evidence.

NM_004371.4(COPA):c.520C>T (p.Pro174Ser)

Gene: COPA (coat protein complex I subunit alpha; minus strand). Cytogenetic location: 1q23.2.
Variant type: single nucleotide variant.
Coding change: c.520C>T on transcript NM_004371.4 (MANE Select); coding-DNA position 520, C replaced by T.
Protein change: p.Pro174Ser; replaces proline 174 with serine.
Molecular consequence: missense variant.
Genome position (GRCh38, 1-based): chr1:160,325,629, G>A on the plus strand (C>T on the coding strand, the complement: COPA is on the minus strand). VCF-style: chr1-160325629-G-A. GRCh37 (hg19) VCF-style: chr1-160295419-G-A.
Other names: c.520C>T, p.Pro174Ser (NM_001098398.2); short protein forms P174S.
Identifiers: ClinVar variation 4985902 (VCV004985902.1).